The following is an entry in ClinVar:

ClinVar aggregate classification (germline): Pathogenic (1 of 4 stars; one submission).

Conditions:
Neuromuscular disease caused by qualitative or quantitative defects of dysferlin. Also called: Dysferlinopathy; Qualitative or quantitative defects of dysferlin. Identifiers: Orphanet 207073, MedGen C2931687, MONDO:0016145.

Submission:

Labcorp Genetics (formerly Invitae), Labcorp
Classification: Pathogenic for Neuromuscular disease caused by qualitative or quantitative defects of dysferlin. Last evaluated: 2022-12-16. Review status: criteria provided, single submitter. Criteria: Invitae Variant Classification Sherloc (09022015). Collection method: clinical testing. Allele origin: germline.
Comment: For these reasons, this variant has been classified as Pathogenic. This variant has not been reported in the literature in individuals affected with DYSF-related conditions. This variant is not present in population databases (gnomAD no frequency). This sequence change creates a premature translational stop signal (p.Glu1426Profs*7) in the DYSF gene. It is expected to result in an absent or disrupted protein product. Loss-of-function variants in DYSF are known to be pathogenic (PMID: 17698709, 20301480).

Literature cited by the submitters: PubMed 17698709; PubMed 20301480.

NM_001130987.2(DYSF):c.4325_4328dup (p.Glu1444fs)

Gene: DYSF (dysferlin; plus strand). Cytogenetic location: 2p13.2.
Variant type: Duplication.
Coding change: c.4325_4328dup on transcript NM_001130987.2 (MANE Select); coding-DNA positions 4325 to 4328, 4 bases duplicated (CCCT; older notation c.4325_4328dupCCCT).
Protein change: p.Glu1444fs; shifts the reading frame from glutamic acid 1444.
Molecular consequence: frameshift variant.
Genome position (GRCh38, 1-based): chr2:71,612,744-71,612,747, CCCT duplicated; duplicating any 4 consecutive bases within chr2:71,612,742-71,612,747 gives the same sequence; the c. name uses the placement nearest the transcript's 3' end. VCF-style (leftmost placement, unchanged base first): chr2-71612741-G-GCTCC. GRCh37 (hg19) VCF-style: chr2-71839871-G-GCTCC.
Other names: c.4274_4277dup, p.Glu1427fs (NM_001130455.2, NM_001130983.2); c.4229_4232dup, p.Glu1412fs (NM_001130976.2, NM_001130977.2); c.4271_4274dup, p.Glu1426fs (NM_001130978.2, NM_003494.4); c.4364_4367dup, p.Glu1457fs (NM_001130979.2); c.4322_4325dup, p.Glu1443fs (NM_001130980.2, NM_001130981.2); c.4367_4370dup, p.Glu1458fs (NM_001130982.2); c.4232_4235dup, p.Glu1413fs (NM_001130984.2, NM_001130986.2); c.4325_4328dup, p.Glu1444fs (NM_001130985.2); short protein forms E1444fs, E1458fs, E1412fs, E1426fs, E1457fs, E1413fs, E1427fs, E1443fs.
Identifiers: ClinVar variation 2821605 (VCV002821605.3), dbSNP rs2093794192, ClinGen allele CA1032074793.
Genomic context (GRCh38, chr2:71,612,741, plus strand): 5'-TCAAGGTCATCGATAACCGCCAGTTTGGCCGCCGGCCTGTGGTGGGCCAGTGTACCATCC[G>GCTCC]CTCCCTGGAGAGCTTCCTGTGTGACCCCTACTCGGCGGAGAGTCCATCCCCACAGGGTGG-3'